The following is an entry in ClinVar:

NM_001377.3(DYNC2H1):c.9820A>C (p.Ser3274Arg)

Gene: DYNC2H1 (dynein cytoplasmic 2 heavy chain 1; plus strand). Cytogenetic location: 11q22.3.
Variant type: single nucleotide variant.
Coding change: c.9820A>C on transcript NM_001377.3 (MANE Select); coding-DNA position 9820, A replaced by C.
Protein change: p.Ser3274Arg; replaces serine 3274 with arginine.
Molecular consequence: missense variant.
Genome position (GRCh38, 1-based): chr11:103,243,693, A>C. VCF-style: chr11-103243693-A-C. GRCh37 (hg19) VCF-style: chr11-103114422-A-C.
Other names: c.9841A>C, p.Ser3281Arg (NM_001080463.2); short protein forms S3274R, S3281R.
Identifiers: ClinVar variation 692241 (VCV000692241.2), dbSNP rs371932985, ClinGen allele CA382245169.
Genomic context (GRCh38, chr11:103,243,693, plus strand): 5'-CCATTTAAATGAAAGCTTATAATCATTAAAAAACATTACTTTTCCTTTTTTTTATACTAG[A>C]GTCGAGTGTGCCCATTTCTTATAGATCCTTCTTCCCAAGCTACAGAGTGGTTAAAAACAC-3'
Protein context (NP_001368.2, residues 3264-3284): SIENALVILQ[Ser3274Arg]RVCPFLIDPS

ClinVar aggregate classification (germline): Conflicting classifications of pathogenicity. Review status: criteria provided, conflicting classifications (1 of 4 stars). 2 submissions from 2 submitters: Likely pathogenic (1); Uncertain significance (1). Last evaluated 2026-03-20.

Conditions:
Asphyxiating thoracic dystrophy 3. Also called: SHORT-RIB THORACIC DYSPLASIA 3 WITH OR WITHOUT POLYDACTYLY; POLYDACTYLY WITH NEONATAL CHONDRODYSTROPHY, TYPE I; SHORT-RIB THORACIC DYSPLASIA 3/6 WITH POLYDACTYLY, DIGENIC; Short rib polydactyly syndrome 2B; Saldino-Noonan Syndrome. Identifiers: Orphanet 474, Orphanet 93269, Orphanet 93270, Orphanet 93271, MedGen C0036069, MONDO:0013127, OMIM 613091.

Submissions (2):

Myriad Genetics, Inc.
Classification: Uncertain significance for Asphyxiating thoracic dystrophy 3. Last evaluated: 2026-03-20. Review status: criteria provided, single submitter. Criteria: Myriad Autosomal Dominant, Autosomal Recessive and X-Linked Classification Criteria (2023). Collection method: clinical testing. Allele origin: unknown.
Comment: NM_001377.2(DYNC2H1):c.9820A>C(S3274R) is a missense variant classified as a variant of uncertain significance in the context of DYNC2H1-related disorders. S3274R has not been observed in cases with relevant disease. Relevant functional assessments of this variant are not available in the literature. S3274R has not been observed in referenced population frequency databases. In summary, there is insufficient evidence to classify NM_001377.2(DYNC2H1):c.9820A>C(S3274R) as pathogenic or benign. Please note: this variant was assessed in the context of healthy population screening.

MVZ Martinsried, Medicover Genetics
Classification: Likely pathogenic for Asphyxiating thoracic dystrophy 3. Last evaluated: 2019-04-08. Review status: criteria provided, single submitter. Criteria: ACMG Guidelines, 2015. Collection method: clinical testing. Allele origin: unknown. Affected: yes.